The following is an entry in ClinVar:

NM_000548.5(TSC2):c.2492C>T (p.Thr831Met)

Gene: TSC2 (TSC complex subunit 2; plus strand). Cytogenetic location: 16p13.3.
Variant type: single nucleotide variant.
Coding change: c.2492C>T on transcript NM_000548.5 (MANE Select); coding-DNA position 2492, C replaced by T.
Protein change: p.Thr831Met; replaces threonine 831 with methionine.
Molecular consequence: missense variant.
Genome position (GRCh38, 1-based): chr16:2,074,336, C>T. VCF-style: chr16-2074336-C-T. GRCh37 (hg19) VCF-style: chr16-2124337-C-T.
Other names: c.2492C>T, p.Thr831Met (NM_001077183.3, NM_001114382.3, NM_001363528.2 and 3 more transcripts); c.2381C>T, p.Thr794Met (NM_001318827.2); c.2345C>T, p.Thr782Met (NM_001318829.2); c.1892C>T, p.Thr631Met (NM_001318831.2); c.2525C>T, p.Thr842Met (NM_001318832.2); short protein forms T631M, T782M, T794M, T831M, T842M.
Identifiers: ClinVar variation 1015115 (VCV001015115.10), dbSNP rs774380711, ClinGen allele CA039254.

ClinVar aggregate classification (germline): Conflicting classifications of pathogenicity. Review status: criteria provided, conflicting classifications (1 of 4 stars). 2 submissions from 2 submitters: Uncertain significance (1); Benign (1). Last evaluated 2025-04-09.

Conditions:
Hereditary cancer-predisposing syndrome. Also called: Tumor predisposition; Hereditary Cancer Syndrome; Neoplastic Syndromes, Hereditary; Hereditary neoplastic syndrome. Identifiers: Orphanet 140162, MedGen C0027672, MeSH D009386, MONDO:0015356.
Tuberous sclerosis 2 (TSC2). Identifiers: Orphanet 805, MedGen C1860707, MONDO:0013199, OMIM 613254.

Allele frequency attached by ClinVar (database versions not stated): gnomAD exomes below 0.00001; TOPMed below 0.00001; ExAC 0.00001; gnomAD 0.00001.
gnomAD v4.1: 4 of 1,612,664 alleles (0.00025%); highest among the groups gnomAD compares: Non-Finnish European, 0.00025%; no homozygotes.

Submissions (2):

Ambry Genetics
Classification: Uncertain significance for Hereditary cancer-predisposing syndrome. Last evaluated: 2025-04-09. Review status: criteria provided, single submitter. Criteria: Ambry Variant Classification Scheme 2023. Collection method: clinical testing. Allele origin: germline.
Comment: The p.T831M variant (also known as c.2492C>T), located in coding exon 21 of the TSC2 gene, results from a C to T substitution at nucleotide position 2492. The threonine at codon 831 is replaced by methionine, an amino acid with similar properties. This amino acid position is highly conserved in available vertebrate species. In addition, this alteration is predicted to be deleterious by in silico analysis. Based on the available evidence, the clinical significance of this variant remains unclear.

Labcorp Genetics (formerly Invitae), Labcorp
Classification: Benign for Tuberous sclerosis 2. Last evaluated: 2023-11-17. Review status: criteria provided, single submitter. Criteria: Invitae Variant Classification Sherloc (09022015). Collection method: clinical testing. Allele origin: germline.